The following is an entry in ClinVar:

ClinVar aggregate classification (germline): Uncertain significance. Review status: criteria provided, multiple submitters, no conflicts (2 of 4 stars). 2 submissions from 2 submitters: Uncertain significance (2). Last evaluated 2022-05-25.

Conditions:
Metachromatic leukodystrophy (MLD). Also called: Cerebral sclerosis diffuse metachromatic form; Arylsulfatase A Deficiency; ARSA DEFICIENCY; CEREBROSIDE SULFATASE DEFICIENCY; METACHROMATIC LEUKOENCEPHALOPATHY; SULFATIDE LIPIDOSIS. Identifiers: Orphanet 512, MedGen C0023522, MONDO:0018868, OMIM 250100.

Allele frequency attached by ClinVar (database versions not stated): TOPMed 0.00002.

Submissions (2):

Labcorp Genetics (formerly Invitae), Labcorp
Classification: Uncertain significance for Metachromatic leukodystrophy. Last evaluated: 2022-05-25. Review status: criteria provided, single submitter. Criteria: Invitae Variant Classification Sherloc (09022015). Collection method: clinical testing. Allele origin: germline.
Comment: This sequence change replaces arginine, which is basic and polar, with glutamine, which is neutral and polar, at codon 99 of the ARSA protein (p.Arg99Gln). The frequency data for this variant in the population databases is considered unreliable, as metrics indicate poor data quality at this position in the gnomAD database. This variant has not been reported in the literature in individuals affected with ARSA-related conditions. ClinVar contains an entry for this variant (Variation ID: 900914). Advanced modeling of protein sequence and biophysical properties (such as structural, functional, and spatial information, amino acid conservation, physicochemical variation, residue mobility, and thermodynamic stability) performed at Invitae indicates that this missense variant is expected to disrupt ARSA protein function. In summary, the available evidence is currently insufficient to determine the role of this variant in disease. Therefore, it has been classified as a Variant of Uncertain Significance.

Illumina Laboratory Services, Illumina
Classification: Uncertain significance for Metachromatic leukodystrophy. Last evaluated: 2017-04-27. Review status: criteria provided, single submitter. Criteria: ICSL Variant Classification Criteria 13 December 2019. Collection method: clinical testing. Allele origin: germline.
Comment: This variant was observed as part of a predisposition screen in an ostensibly healthy population. A literature search was performed for the gene, cDNA change, and amino acid change (where applicable). Publications were found based on this search. However, the evidence from the literature, in combination with allele frequency data from public databases where available, was not sufficient to rule this variant in or out of causing disease. Therefore, this variant is classified as a variant of unknown significance.

Literature cited by the submitters: PubMed 21265945 (cited by Illumina Laboratory Services, Illumina); PubMed 10459747 (cited by Illumina Laboratory Services, Illumina); PubMed 20890085 (cited by Illumina Laboratory Services, Illumina).

NM_000487.6(ARSA):c.296G>A (p.Arg99Gln)

Gene: ARSA (arylsulfatase A; minus strand). Cytogenetic location: 22q13.33.
Variant type: single nucleotide variant.
Coding change: c.296G>A on transcript NM_000487.6 (MANE Select); coding-DNA position 296, G replaced by A.
Protein change: p.Arg99Gln; replaces arginine 99 with glutamine.
Molecular consequence: missense variant.
Genome position (GRCh38, 1-based): chr22:50,627,335, C>T on the plus strand (G>A on the coding strand, the complement: ARSA is on the minus strand). VCF-style: chr22-50627335-C-T. GRCh37 (hg19) VCF-style: chr22-51065763-C-T.
Other names: c.296G>A, p.Arg99Gln (NM_001085425.3, NM_001085426.3, NM_001085427.3); c.38G>A, p.Arg13Gln (NM_001085428.3, NM_001362782.2); short protein forms R99Q, R13Q.
Identifiers: ClinVar variation 900914 (VCV000900914.7), dbSNP rs759295985, ClinGen allele CA10325064.